The following is an entry in ClinVar:

ClinVar aggregate classification (germline): Uncertain significance (1 of 4 stars; one submission).

Conditions:
Congenital contractural arachnodactyly (CCA). Also called: BEALS SYNDROME; Beals-Hecht syndrome; Arthrogryposis, distal, type 9. Identifiers: Orphanet 115, MedGen C0220668, MONDO:0007363, OMIM 121050.

gnomAD v4.1: 1 of 1,613,636 alleles (0.000062%); highest among the groups gnomAD compares: South Asian, 0.0011%; no homozygotes.

Submission:

Clinical Genetic Center, Kansai Medical University
Classification: Uncertain significance for Congenital contractural arachnodactyly. Last evaluated: 2026-02-26. Review status: criteria provided, single submitter. Criteria: ACMG Guidelines, 2015. Collection method: clinical testing. Allele origin: germline. Inheritance: Autosomal dominant inheritance. Affected: yes. Observed: 1 variant allele.
Comment: • PM1 (Mod): Cys-creating in cbEGF (Strong biological plausibility). • PM2 (Mod), PP3. • Limitation: Phenotype (Isolated Dissection) lacks specific Beals syndrome features.

NM_001999.4(FBN2):c.1793T>G (p.Phe598Cys)

Gene: FBN2 (fibrillin 2; minus strand). Cytogenetic location: 5q23.3.
Variant type: single nucleotide variant.
Coding change: c.1793T>G on transcript NM_001999.4 (MANE Select); coding-DNA position 1793, T replaced by G.
Protein change: p.Phe598Cys; replaces phenylalanine 598 with cysteine.
Molecular consequence: missense variant.
Genome position (GRCh38, 1-based): chr5:128,377,808, A>C on the plus strand (T>G on the coding strand, the complement: FBN2 is on the minus strand). VCF-style: chr5-128377808-A-C. GRCh37 (hg19) VCF-style: chr5-127713501-A-C.
Other names: short protein forms F598C.
Identifiers: ClinVar variation 4813327 (VCV004813327.1).
Genomic context (GRCh38, chr5:128,377,808, plus strand): 5'-ATACCAACACAGTTTTTTCCATCTGTAGTTAATTCAAAGCCGGCATTGCAAATGCACTGG[A>C]AACTTCCATCTGTGTTCACGCATCGACCGTTTTTACAAAGAACCCCATTCTGGATGCACT-3'
Protein context (NP_001990.2, residues 588-608): NGRCVNTDGS[Phe598Cys]QCICNAGFEL